The following is an entry in ClinVar:

ClinVar aggregate classification (germline): Uncertain significance (1 of 4 stars; one submission).

Submission:

GeneDx
Classification: Uncertain significance. Last evaluated: 2025-05-14. Review status: criteria provided, single submitter. Criteria: GeneDx Variant Classification Process June 2021. Collection method: clinical testing. Allele origin: germline. Affected: yes.
Comment: Not observed at significant frequency in large population cohorts (gnomAD); In-frame deletion of 2 amino acid(s) in a non-repeat region; In silico analysis suggests that this variant does not alter protein structure/function; Has not been previously published as pathogenic or benign to our knowledge; This variant is associated with the following publications: (PMID: 16053902)

NM_014795.4(ZEB2):c.877_882del (p.Tyr293_Lys294del)

Gene: ZEB2 (zinc finger E-box binding homeobox 2; minus strand). Cytogenetic location: 2q22.3.
Variant type: Deletion.
Coding change: c.877_882del on transcript NM_014795.4 (MANE Select); coding-DNA positions 877 to 882, 6 bases deleted (TATAAA; older notation c.877_882delTATAAA).
Protein change: p.Tyr293_Lys294del.
Molecular consequence: inframe deletion.
Genome position (GRCh38, 1-based): chr2:144,401,233-144,401,238, TTTATA deleted on the plus strand (TATAAA on the coding strand, the reverse complement: ZEB2 is on the minus strand); deleting any 6 consecutive bases within chr2:144,401,233-144,401,241 gives the same sequence; the c. name uses the placement nearest the transcript's 3' end. VCF-style (leftmost placement, unchanged base first): chr2-144401232-GTTTATA-G. GRCh37 (hg19) VCF-style: chr2-145158799-GTTTATA-G.
Other names: c.805_810del, p.Tyr269_Lys270del (NM_001171653.2).
Identifiers: ClinVar variation 4529584 (VCV004529584.1).